The following is an entry in ClinVar:

ClinVar aggregate classification (germline): Uncertain significance. Review status: criteria provided, multiple submitters, no conflicts (2 of 4 stars). 3 submissions from 3 submitters: Uncertain significance (3). Last evaluated 2024-07-19.

Conditions:
CASR-related disorder. Also called: CASR-related condition.
Familial hypocalciuric hypercalcemia (FHH). Also called: Familial benign hypercalcemia. Identifiers: Orphanet 405, MedGen C1809471, MONDO:0018458.
Autosomal dominant hypocalcemia 1 (HYPOC1). Also called: HYPOCALCEMIA, FAMILIAL. Identifiers: MedGen C3715128, MONDO:0011013, OMIM 601198.

Submissions (3):

3billion
Classification: Uncertain significance for CASR-related disorder. Last evaluated: 2024-07-19. Review status: criteria provided, single submitter. Criteria: ACMG Guidelines, 2015. Collection method: clinical testing. Allele origin: germline. Affected: yes.
Comment: The variant is not observed in the gnomAD v4.0.0 dataset. Predicted Consequence/Location: Missense variant In silico tool predictions suggest damaging effect of the variant on gene or gene product [REVEL: 0.76 (>=0.6, sensitivity 0.68 and specificity 0.92)]. The variant has been reported as of uncertain significance (ClinVar ID: VCV002439768, VCV000410329, VCV002417721, VCV001968601). Therefore, this variant is classified as VUS according to the recommendation of ACMG/AMP guideline.

Labcorp Genetics (formerly Invitae), Labcorp
Classification: Uncertain significance for Familial hypocalciuric hypercalcemia; Autosomal dominant hypocalcemia 1. Last evaluated: 2024-01-04. Review status: criteria provided, single submitter. Criteria: Invitae Variant Classification Sherloc (09022015). Collection method: clinical testing. Allele origin: germline.
Comment: This sequence change replaces alanine, which is neutral and non-polar, with proline, which is neutral and non-polar, at codon 615 of the CASR protein (p.Ala615Pro). This variant is not present in population databases (gnomAD no frequency). This variant has not been reported in the literature in individuals affected with CASR-related conditions. ClinVar contains an entry for this variant (Variation ID: 2439768). An algorithm developed to predict the effect of missense changes on protein structure and function (PolyPhen-2) suggests that this variant is likely to be disruptive. In summary, the available evidence is currently insufficient to determine the role of this variant in disease. Therefore, it has been classified as a Variant of Uncertain Significance.

Revvity Omics, Revvity
Classification: Uncertain significance. Last evaluated: 2019-10-19. Review status: criteria provided, single submitter. Criteria: ACMG Guidelines, 2015. Collection method: clinical testing. Allele origin: germline.

NM_000388.4(CASR):c.1843G>C (p.Ala615Pro)

Gene: CASR (calcium sensing receptor; plus strand). Cytogenetic location: 3q21.1.
Variant type: single nucleotide variant.
Coding change: c.1843G>C on transcript NM_000388.4 (MANE Select); coding-DNA position 1843, G replaced by C.
Protein change: p.Ala615Pro; replaces alanine 615 with proline.
Molecular consequence: missense variant.
Genome position (GRCh38, 1-based): chr3:122,283,797, G>C. VCF-style: chr3-122283797-G-C. GRCh37 (hg19) VCF-style: chr3-122002644-G-C.
Other names: c.1873G>C, p.Ala625Pro (NM_001178065.2); short protein forms A615P, A625P.
Identifiers: ClinVar variation 2439768 (VCV002439768.7), dbSNP rs768660050, ClinGen allele CA354157583.